The following is an entry in ClinVar:

ClinVar aggregate classification (germline): Uncertain significance (1 of 4 stars; one submission).

Conditions:
Autosomal recessive distal spinal muscular atrophy 2. Also called: NEUROPATHY, DISTAL HEREDITARY MOTOR, AUTOSOMAL RECESSIVE 2; NEURONOPATHY, DISTAL HEREDITARY MOTOR, JERASH TYPE; NEUROPATHY, DISTAL HEREDITARY MOTOR, JERASH TYPE; SPINAL MUSCULAR ATROPHY, JERASH TYPE; Hereditary motor neuropathy, Jerash type; Motor neuropathy, distal, Jerash type. Identifiers: Orphanet 139552, MedGen C1854023, MONDO:0011585, OMIM 605726.
Amyotrophic lateral sclerosis type 16. Also called: AMYOTROPHIC LATERAL SCLEROSIS 16, JUVENILE. Identifiers: Orphanet 300605, MedGen C3280587, MONDO:0013715, OMIM 614373.

Submission:

Labcorp Genetics (formerly Invitae), Labcorp
Classification: Uncertain significance for Autosomal recessive distal spinal muscular atrophy 2; Amyotrophic lateral sclerosis type 16. Last evaluated: 2022-06-16. Review status: criteria provided, single submitter. Criteria: Invitae Variant Classification Sherloc (09022015). Collection method: clinical testing. Allele origin: germline.
Comment: In summary, the available evidence is currently insufficient to determine the role of this variant in disease. Therefore, it has been classified as a Variant of Uncertain Significance. Algorithms developed to predict the effect of missense changes on protein structure and function output the following: SIFT: "Tolerated"; PolyPhen-2: "Benign"; Align-GVGD: "Class C0". The valine amino acid residue is found in multiple mammalian species, which suggests that this missense change does not adversely affect protein function. This variant has not been reported in the literature in individuals affected with SIGMAR1-related conditions. This variant is not present in population databases (gnomAD no frequency). This sequence change replaces alanine, which is neutral and non-polar, with valine, which is neutral and non-polar, at codon 19 of the SIGMAR1 protein (p.Ala19Val).

NM_005866.4(SIGMAR1):c.56C>T (p.Ala19Val)

Genes: SIGMAR1 (sigma receptor chaperone 1; minus strand), LOC130001681 (ATAC-STARR-seq lymphoblastoid silent region 19853; plus strand). Cytogenetic location: 9p13.3.
Variant type: single nucleotide variant.
Coding change: c.56C>T on transcript NM_005866.4 (MANE Select); coding-DNA position 56, C replaced by T.
Protein change: p.Ala19Val; replaces alanine 19 with valine.
Molecular consequence: missense variant. On other transcripts: 5 prime UTR variant (1), non-coding transcript variant (1).
Genome position (GRCh38, 1-based): chr9:34,637,642, G>A on the plus strand (C>T on the coding strand, the complement: SIGMAR1 is on the minus strand). VCF-style: chr9-34637642-G-A. GRCh37 (hg19) VCF-style: chr9-34637639-G-A.
Other names: c.56C>T, p.Ala19Val (NM_001282205.2, NM_001282207.2, NM_001282208.2 and 2 more transcripts); c.-198C>T (NM_001282206.2); short protein forms A19V.
Identifiers: ClinVar variation 2007511 (VCV002007511.4), dbSNP rs867197011, ClinGen allele CA373275743.
Genomic context (GRCh38, chr9:34,637,642, plus strand): 5'-CGCTGGAAGACGAAGCTCTGCGTACCCAGCCAGAGCCAGACGACCTGGGTCAGCACCGCT[G>A]CGACAGCCAGGAGCAGCGCGGCCCACGCCCACCGCCGGCCCACGGCCCACTGCATCCCGG-3'
Protein context (NP_005857.1, residues 9-29): WAWAALLLAV[Ala19Val]AVLTQVVWLW